The following is an entry in ClinVar:

ClinVar aggregate classification (germline): Uncertain significance (1 of 4 stars; one submission).

Submission:

Ambry Genetics
Classification: Uncertain significance. Last evaluated: 2024-02-13. Review status: criteria provided, single submitter. Criteria: Ambry Variant Classification Scheme 2023. Collection method: clinical testing. Allele origin: germline.
Comment: The p.G86R variant (also known as c.256G>C), located in coding exon 1 of the EGLN2 gene, results from a G to C substitution at nucleotide position 256. The glycine at codon 86 is replaced by arginine, an amino acid with dissimilar properties. This amino acid position is conserved. In addition, this alteration is predicted to be tolerated by in silico analysis. Based on the available evidence, the clinical significance of this alteration remains unclear.

NM_080732.4(EGLN2):c.256G>C (p.Gly86Arg)

Genes: EGLN2 (egl-9 family hypoxia inducible factor 2; plus strand), RAB4B-EGLN2 (RAB4B-EGLN2 readthrough (NMD candidate); plus strand). Cytogenetic location: 19q13.2.
Variant type: single nucleotide variant.
Coding change: c.256G>C on transcript NM_080732.4 (MANE Select); coding-DNA position 256, G replaced by C.
Protein change: p.Gly86Arg; replaces glycine 86 with arginine.
Molecular consequence: missense variant. On other transcripts: non-coding transcript variant (1).
Genome position (GRCh38, 1-based): chr19:40,800,828, G>C. VCF-style: chr19-40800828-G-C. GRCh37 (hg19) VCF-style: chr19-41306733-G-C.
Other names: c.256G>C, p.Gly86Arg (NM_053046.4); short protein forms G86R.
Identifiers: ClinVar variation 3228992 (VCV003228992.1), dbSNP rs1362417183, ClinGen allele CA405954877.